The following is an entry in ClinVar:

NM_001077350.3(NPRL3):c.1472C>T (p.Ser491Leu)

Genes: HBA-LCR (alpha-globin locus control region; plus strand), NPRL3 (NPR3 like, GATOR1 complex subunit; minus strand). Cytogenetic location: 16p13.3.
Variant type: single nucleotide variant.
Coding change: c.1472C>T on transcript NM_001077350.3 (MANE Select); coding-DNA position 1472, C replaced by T.
Protein change: p.Ser491Leu; replaces serine 491 with leucine.
Molecular consequence: missense variant.
Genome position (GRCh38, 1-based): chr16:88,770, G>A on the plus strand (C>T on the coding strand, the complement: NPRL3 is on the minus strand). VCF-style: chr16-88770-G-A. GRCh37 (hg19) VCF-style: chr16-138769-G-A.
Other names: c.935C>T, p.Ser312Leu (NM_001039476.3); c.1238C>T, p.Ser413Leu (NM_001243247.2); c.1397C>T, p.Ser466Leu (NM_001243248.2, NM_001243249.2); short protein forms S312L, S413L, S466L, S491L.
Identifiers: ClinVar variation 3367531 (VCV003367531.1).

ClinVar aggregate classification (germline): Uncertain significance (1 of 4 stars; one submission).

gnomAD v4.1: 14 of 1,613,334 alleles (0.00087%); highest among the groups gnomAD compares: Admixed American, 0.0033%; no homozygotes.

Submission:

GeneDx
Classification: Uncertain significance. Last evaluated: 2024-01-08. Review status: criteria provided, single submitter. Criteria: GeneDx Variant Classification Process June 2021. Collection method: clinical testing. Allele origin: germline. Affected: yes.
Comment: Has not been previously published as pathogenic or benign to our knowledge; In-silico analysis is inconclusive as to whether the variant impacts protein structure/function. In the absence of functional studies, the actual effect of this sequence change is unknown